The following is an entry in ClinVar:

NM_001848.3(COL6A1):c.79A>T (p.Arg27Trp)

Gene: COL6A1 (collagen type VI alpha 1 chain; plus strand). Cytogenetic location: 21q22.3.
Variant type: single nucleotide variant.
Coding change: c.79A>T on transcript NM_001848.3 (MANE Select); coding-DNA position 79, A replaced by T.
Protein change: p.Arg27Trp; replaces arginine 27 with tryptophan.
Molecular consequence: missense variant.
Genome position (GRCh38, 1-based): chr21:45,981,929, A>T. VCF-style: chr21-45981929-A-T. GRCh37 (hg19) VCF-style: chr21-47401843-A-T.
Other names: short protein forms R27W.
Identifiers: ClinVar variation 1032774 (VCV001032774.1), dbSNP rs1031520613, ClinGen allele CA410514066.

ClinVar aggregate classification (germline): Uncertain significance (1 of 4 stars; one submission).

Conditions:
Ullrich congenital muscular dystrophy 1A. Also called: Intermediate COL6-RD; Ullrich congenital muscular dystrophy 1. Identifiers: Orphanet 75840, MedGen C0410179, MONDO:0009681, OMIM 254090.

Allele frequency attached by ClinVar (database versions not stated): gnomAD exomes below 0.00001; TOPMed below 0.00001; gnomAD 0.00001.
gnomAD v4.1: 6 of 1,606,920 alleles (0.00037%); highest among the groups gnomAD compares: Non-Finnish European, 0.00051%; no homozygotes.

Submission:

Baylor Genetics
Classification: Uncertain significance for Ullrich congenital muscular dystrophy 1A. Last evaluated: 2018-03-20. Review status: criteria provided, single submitter. Criteria: ACMG Guidelines, 2015. Collection method: clinical testing. Allele origin: paternal. Affected: yes.
Comment: This variant was determined to be of uncertain significance according to ACMG Guidelines, 2015 [PMID:25741868].